The following is an entry in ClinVar:

NM_006015.6(ARID1A):c.4563C>T (p.Pro1521=)

Gene: ARID1A (AT-rich interaction domain 1A; plus strand). Cytogenetic location: 1p36.11.
Variant type: single nucleotide variant.
Coding change: c.4563C>T on transcript NM_006015.6 (MANE Select); coding-DNA position 4563, C replaced by T.
Protein change: p.Pro1521=; no amino-acid change (proline 1521 retained).
Molecular consequence: synonymous variant. On other transcripts: intron variant (1).
Genome position (GRCh38, 1-based): chr1:26,774,790, C>T. VCF-style: chr1-26774790-C-T. GRCh37 (hg19) VCF-style: chr1-27101281-C-T.
Other names: c.4102-190C>T (NM_139135.4).
Identifiers: ClinVar variation 1225856 (VCV001225856.31), dbSNP rs149095176, ClinGen allele CA707480.
Genomic context (GRCh38, chr1:26,774,790, plus strand): 5'-TAATGACATGACCTATAATTATGCCAACAGGCAGAGCACGGGCTCTGCCCCCCAGGGCCC[C>T]GCCTATCATGGCGTGAACCGAACAGATGAAATGCTGCACACAGATCAGAGGGCCAACCAC-3'
Protein context (NP_006006.3, residues 1511-1531): RQSTGSAPQG[Pro1521=]AYHGVNRTDE

ClinVar aggregate classification (germline): Benign/Likely benign. Review status: criteria provided, multiple submitters, no conflicts (2 of 4 stars). 3 submissions from 3 submitters: Benign (2); Likely benign (1). Last evaluated 2026-01-26.

Allele frequency attached by ClinVar (database versions not stated): ESP Exome Variant Server 0.00054; gnomAD 0.00056 and 0.00058; TOPMed 0.00056; 1000 Genomes Project 0.00100; 1000 Genomes Project 30x 0.00109.
gnomAD v4.1: 166 of 1,614,188 alleles (0.01%); highest among the groups gnomAD compares: African/African-American, 0.18%; 1 homozygote.

Submissions (3):

Labcorp Genetics (formerly Invitae), Labcorp
Classification: Benign. Last evaluated: 2026-01-26. Review status: criteria provided, single submitter. Criteria: Invitae Variant Classification Sherloc (09022015). Collection method: clinical testing. Allele origin: germline.

CeGaT Center for Human Genetics Tuebingen
Classification: Likely benign. Last evaluated: 2023-02-01. Review status: criteria provided, single submitter. Criteria: CeGaT Center For Human Genetics Tuebingen Variant Classification Criteria Version 2. Collection method: clinical testing. Allele origin: germline. Affected: yes. Observed: 1 variant allele.
Comment: ARID1A: BP4, BP7, BS1

GeneDx
Classification: Benign. Last evaluated: 2020-03-02. Review status: criteria provided, single submitter. Criteria: GeneDx Variant Classification Process June 2021. Collection method: clinical testing. Allele origin: germline. Affected: yes.